The following is an entry in ClinVar:

ClinVar aggregate classification (germline): Uncertain significance (1 of 4 stars; one submission).

Submission:

Labcorp Genetics (formerly Invitae), Labcorp
Classification: Uncertain significance. Last evaluated: 2022-12-04. Review status: criteria provided, single submitter. Criteria: Invitae Variant Classification Sherloc (09022015). Collection method: clinical testing. Allele origin: germline.
Comment: In summary, the available evidence is currently insufficient to determine the role of this variant in disease. Therefore, it has been classified as a Variant of Uncertain Significance. Advanced modeling of protein sequence and biophysical properties (such as structural, functional, and spatial information, amino acid conservation, physicochemical variation, residue mobility, and thermodynamic stability) performed at Invitae indicates that this missense variant is not expected to disrupt KMT2A protein function. This variant has not been reported in the literature in individuals affected with KMT2A-related conditions. This variant is not present in population databases (gnomAD no frequency). This sequence change replaces leucine, which is neutral and non-polar, with proline, which is neutral and non-polar, at codon 2253 of the KMT2A protein (p.Leu2253Pro).

NM_001197104.2(KMT2A):c.6758T>C (p.Leu2253Pro)

Gene: KMT2A (lysine methyltransferase 2A; plus strand). Cytogenetic location: 11q23.3.
Variant type: single nucleotide variant.
Coding change: c.6758T>C on transcript NM_001197104.2 (MANE Select); coding-DNA position 6758, T replaced by C.
Protein change: p.Leu2253Pro; replaces leucine 2253 with proline.
Molecular consequence: missense variant.
Genome position (GRCh38, 1-based): chr11:118,502,650, T>C. VCF-style: chr11-118502650-T-C. GRCh37 (hg19) VCF-style: chr11-118373365-T-C.
Other names: c.6848T>C, p.Leu2283Pro (NM_001412597.1); c.6749T>C, p.Leu2250Pro (NM_005933.4); short protein forms L2250P, L2253P, L2283P.
Identifiers: ClinVar variation 2818418 (VCV002818418.3), dbSNP rs1950518500, ClinGen allele CA382802936.